The following is an entry in ClinVar:

ClinVar aggregate classification (germline): Uncertain significance. Review status: criteria provided, multiple submitters, no conflicts (2 of 4 stars). 2 submissions from 2 submitters: Uncertain significance (2). Last evaluated 2026-06-23.

Submissions (2):

Women's Health and Genetics/Laboratory Corporation of America, LabCorp
Classification: Uncertain significance. Last evaluated: 2026-06-23. Review status: criteria provided, single submitter. Criteria: LabCorp Variant Classification Summary - May 2015. Collection method: clinical testing. Allele origin: germline.
Comment: Variant summary: SPTAN1 c.1435G>T (p.Val479Leu) results in a conservative amino acid change located in the Spectrin repeat region (IPR002017) of the encoded protein sequence. Algorithms developed to predict the effect of missense changes on protein structure and function are either unavailable or do not agree on the potential impact of this missense change. The variant was absent in 251334 control chromosomes. The available data on variant occurrences in the general population are insufficient to allow any conclusion about variant significance. To our knowledge, no occurrence of c.1435G>T in individuals affected with SPTAN1-related conditions and no experimental evidence demonstrating its impact on protein function have been reported. ClinVar contains an entry for this variant (Variation ID: 3370771). Based on the evidence outlined above, the variant was classified as uncertain significance.

GeneDx
Classification: Uncertain significance. Last evaluated: 2024-03-14. Review status: criteria provided, single submitter. Criteria: GeneDx Variant Classification Process June 2021. Collection method: clinical testing. Allele origin: germline. Affected: yes.
Comment: Not observed at significant frequency in large population cohorts (gnomAD); In silico analysis supports that this missense variant does not alter protein structure/function; Has not been previously published as pathogenic or benign to our knowledge

NM_001130438.3(SPTAN1):c.1435G>T (p.Val479Leu)

Gene: SPTAN1 (spectrin alpha, non-erythrocytic 1; plus strand). Cytogenetic location: 9q34.11.
Variant type: single nucleotide variant.
Coding change: c.1435G>T on transcript NM_001130438.3 (MANE Select); coding-DNA position 1435, G replaced by T.
Protein change: p.Val479Leu; replaces valine 479 with leucine.
Molecular consequence: missense variant.
Genome position (GRCh38, 1-based): chr9:128,581,033, G>T. VCF-style: chr9-128581033-G-T. GRCh37 (hg19) VCF-style: chr9-131343312-G-T.
Other names: c.1435G>T, p.Val479Leu (NM_001195532.2, NM_001363759.2, NM_001363765.2 and 5 more transcripts); c.1471G>T, p.Val491Leu (NM_001375312.2, NM_001375318.1); short protein forms V479L, V491L.
Identifiers: ClinVar variation 3370771 (VCV003370771.3).
Genomic context (GRCh38, chr9:128,581,033, plus strand): 5'-CGCAGGCAGCAGTACGAGCAGTGCATGGACCTGCAGCTCTTCTACCGGGACACTGAGCAG[G>T]TGGACAACTGGATGAGCAAGCAGGAGGTAATCTGTGAGCAAAGCCTTGCCAGTGGTGGGA-3'
Protein context (NP_001123910.1, residues 469-489): LQLFYRDTEQ[Val479Leu]DNWMSKQEAF